The following is an entry in ClinVar:

NM_021930.6(RINT1):c.752C>T (p.Thr251Ile)

Gene: RINT1 (RAD50 interactor 1; plus strand). Cytogenetic location: 7q22.3.
Variant type: single nucleotide variant.
Coding change: c.752C>T on transcript NM_021930.6 (MANE Select); coding-DNA position 752, C replaced by T.
Protein change: p.Thr251Ile; replaces threonine 251 with isoleucine.
Molecular consequence: missense variant. On other transcripts: 5 prime UTR variant (2), non-coding transcript variant (1), intron variant (1).
Genome position (GRCh38, 1-based): chr7:105,547,246, C>T. VCF-style: chr7-105547246-C-T. GRCh37 (hg19) VCF-style: chr7-105187693-C-T.
Other names: c.518C>T, p.Thr173Ile (NM_001346599.2); c.-268C>T (NM_001346600.2); c.-171C>T (NM_001346601.2); c.-27-2809C>T (NM_001346603.2); short protein forms T173I, T251I.
Identifiers: ClinVar variation 3314464 (VCV003314464.1).
Genomic context (GRCh38, chr7:105,547,246, plus strand): 5'-ATTTTGAGGAAATTTTAGCACAGCTTCATTGGCCATTCATCGCACCCCCTCAATCACAAA[C>T]TGTTGGCTTAAGTCGACCTGCCAGTGCCCCGGAGATATACAGTTACCTGGAGACACTGTT-3'
Protein context (NP_068749.3, residues 241-261): WPFIAPPQSQ[Thr251Ile]VGLSRPASAP

ClinVar aggregate classification (germline): Uncertain significance (1 of 4 stars; one submission).

Submission:

Ambry Genetics
Classification: Uncertain significance. Last evaluated: 2024-05-04. Review status: criteria provided, single submitter. Criteria: Ambry Variant Classification Scheme 2023. Collection method: clinical testing. Allele origin: germline.
Comment: The p.T251I variant (also known as c.752C>T), located in coding exon 6 of the RINT1 gene, results from a C to T substitution at nucleotide position 752. The threonine at codon 251 is replaced by isoleucine, an amino acid with similar properties. This amino acid position is conserved. In addition, this alteration is predicted to be tolerated by in silico analysis. Based on the available evidence, the clinical significance of this variant remains unclear.